The following is an entry in ClinVar:

NM_001040108.2(MLH3):c.2000G>C (p.Gly667Ala)

Gene: MLH3 (mutL homolog 3; minus strand). Cytogenetic location: 14q24.3.
Variant type: single nucleotide variant.
Coding change: c.2000G>C on transcript NM_001040108.2 (MANE Select); coding-DNA position 2000, G replaced by C.
Protein change: p.Gly667Ala; replaces glycine 667 with alanine.
Molecular consequence: missense variant.
Genome position (GRCh38, 1-based): chr14:75,047,656, C>G on the plus strand (G>C on the coding strand, the complement: MLH3 is on the minus strand). VCF-style: chr14-75047656-C-G. GRCh37 (hg19) VCF-style: chr14-75514359-C-G.
Other names: c.2000G>C, p.Gly667Ala (NM_014381.3); short protein forms G667A.
Identifiers: ClinVar variation 1384629 (VCV001384629.9), dbSNP rs200093225, ClinGen allele CA263652647.

ClinVar aggregate classification (germline): Conflicting classifications of pathogenicity. Review status: criteria provided, conflicting classifications (1 of 4 stars). 3 submissions from 3 submitters: Uncertain significance (2); Likely benign (1). Last evaluated 2024-06-06.

Conditions:
Colorectal cancer. Also called: Colorectal cancer, somatic; Malignant Colorectal Neoplasm. Identifiers: MedGen C0346629, MONDO:0005575, OMIM 114500.
Endometrial carcinoma. Also called: Endometrial carcinoma, somatic. Identifiers: MedGen C0476089, MONDO:0002447, OMIM 608089, HP:0012114.
Colorectal cancer, hereditary nonpolyposis, type 7. Identifiers: Orphanet 144, MedGen C1858380, MONDO:0013725, OMIM 614385.

Allele frequency attached by ClinVar (database versions not stated): gnomAD exomes 0.00002; gnomAD 0.00003 and 0.00004; TOPMed 0.00003.

Submissions (3):

Labcorp Genetics (formerly Invitae), Labcorp
Classification: Uncertain significance for Colorectal cancer, hereditary nonpolyposis, type 7. Last evaluated: 2024-06-06. Review status: criteria provided, single submitter. Criteria: Invitae Variant Classification Sherloc (09022015). Collection method: clinical testing. Allele origin: germline.
Comment: This sequence change replaces glycine, which is neutral and non-polar, with alanine, which is neutral and non-polar, at codon 667 of the MLH3 protein (p.Gly667Ala). This variant is present in population databases (rs200093225, gnomAD 0.003%). This variant has not been reported in the literature in individuals affected with MLH3-related conditions. ClinVar contains an entry for this variant (Variation ID: 1384629). Algorithms developed to predict the effect of missense changes on protein structure and function output the following: SIFT: "Not Available"; PolyPhen-2: "Benign"; Align-GVGD: "Not Available". The alanine amino acid residue is found in multiple mammalian species, which suggests that this missense change does not adversely affect protein function. In summary, the available evidence is currently insufficient to determine the role of this variant in disease. Therefore, it has been classified as a Variant of Uncertain Significance.

Ambry Genetics
Classification: Likely benign. Last evaluated: 2022-07-22. Review status: criteria provided, single submitter. Criteria: Ambry Variant Classification Scheme 2023. Collection method: clinical testing. Allele origin: germline.

Fulgent Genetics
Classification: Uncertain significance for Colorectal cancer; Endometrial carcinoma; Colorectal cancer, hereditary nonpolyposis, type 7. Last evaluated: 2022-01-12. Review status: criteria provided, single submitter. Criteria: ACMG Guidelines, 2015. Collection method: clinical testing. Allele origin: unknown.